The following is an entry in ClinVar:

NM_004100.5(EYA4):c.213A>C (p.Glu71Asp)

Gene: EYA4 (EYA transcriptional coactivator and phosphatase 4; plus strand). Cytogenetic location: 6q23.2.
Variant type: single nucleotide variant.
Coding change: c.213A>C on transcript NM_004100.5 (MANE Select); coding-DNA position 213, A replaced by C.
Protein change: p.Glu71Asp; replaces glutamic acid 71 with aspartic acid.
Molecular consequence: missense variant. On other transcripts: intron variant (4).
Genome position (GRCh38, 1-based): chr6:133,448,115, A>C. VCF-style: chr6-133448115-A-C. GRCh37 (hg19) VCF-style: chr6-133769253-A-C.
Other names: c.213A>C, p.Glu71Asp (NM_001301013.2, NM_172105.4); c.208+1361A>C (NM_001370458.1, NM_172103.4, NM_001370459.1 and 1 more transcripts); short protein forms E71D.
Identifiers: ClinVar variation 1372072 (VCV001372072.11), dbSNP rs200042576, ClinGen allele CA4007984.
Genomic context (GRCh38, chr6:133,448,115, plus strand): 5'-CATATCCACTCAGCAGGCATTCAGACAATGAACTTTTATACTGTTCCTGTTCTCAGGGGA[A>C]AACATGACTGTTTTAAACACAGCAGACTGGTTGCTGAGTTGCAACACCCCCTCTTCTGCA-3'
Protein context (NP_004091.3, residues 61-81): TSVTTNGTGG[Glu71Asp]NMTVLNTADW

ClinVar aggregate classification (germline): Conflicting classifications of pathogenicity. Review status: criteria provided, conflicting classifications (1 of 4 stars). 3 submissions from 3 submitters: Uncertain significance (2); Likely benign (1). Last evaluated 2025-04-09.

Conditions:
Dilated cardiomyopathy 1J (CMD1J). Also called: CARDIOMYOPATHY, DILATED, WITH SENSORINEURAL HEARING LOSS, AUTOSOMAL DOMINANT. Identifiers: Orphanet 217622, MedGen C1854368, MONDO:0011541, OMIM 605362.
Autosomal dominant nonsyndromic hearing loss 10. Identifiers: Orphanet 90635, MedGen C1832476, MONDO:0011031, OMIM 601316.
Cardiovascular phenotype. Identifiers: MedGen CN230736.

Allele frequency attached by ClinVar (database versions not stated): gnomAD 0.00001; gnomAD exomes 0.00001 and 0.00006; ExAC 0.00004; 1000 Genomes Project 30x 0.00016; 1000 Genomes Project 0.00020.
gnomAD v4.1: 16 of 1,612,934 alleles (0.00099%); highest among the groups gnomAD compares: East Asian, 0.036%; no homozygotes.

Submissions (3):

Labcorp Genetics (formerly Invitae), Labcorp
Classification: Uncertain significance for Dilated cardiomyopathy 1J. Last evaluated: 2025-04-09. Review status: criteria provided, single submitter. Criteria: Invitae Variant Classification Sherloc (09022015). Collection method: clinical testing. Allele origin: germline.
Comment: This sequence change replaces glutamic acid, which is acidic and polar, with aspartic acid, which is acidic and polar, at codon 71 of the EYA4 protein (p.Glu71Asp). This variant is present in population databases (rs200042576, gnomAD 0.07%), and has an allele count higher than expected for a pathogenic variant. This variant has not been reported in the literature in individuals affected with EYA4-related conditions. ClinVar contains an entry for this variant (Variation ID: 1372072). An algorithm developed to predict the effect of missense changes on protein structure and function outputs the following: PolyPhen-2: "Benign". The aspartic acid amino acid residue is found in multiple mammalian species, which suggests that this missense change does not adversely affect protein function. In summary, the available evidence is currently insufficient to determine the role of this variant in disease. Therefore, it has been classified as a Variant of Uncertain Significance.

Ambry Genetics
Classification: Likely benign for Cardiovascular phenotype. Last evaluated: 2024-02-28. Review status: criteria provided, single submitter. Criteria: Ambry Variant Classification Scheme 2023. Collection method: clinical testing. Allele origin: germline.

Fulgent Genetics
Classification: Uncertain significance for Autosomal dominant nonsyndromic hearing loss 10; Dilated cardiomyopathy 1J. Last evaluated: 2022-01-04. Review status: criteria provided, single submitter. Criteria: ACMG Guidelines, 2015. Collection method: clinical testing. Allele origin: unknown.